The following is an entry in ClinVar:

ClinVar aggregate classification (germline): Uncertain significance (1 of 4 stars; one submission).

Conditions:
Infantile-onset X-linked spinal muscular atrophy. Also called: ARTHROGRYPOSIS, X-LINKED, TYPE I; SPINAL MUSCULAR ATROPHY, X-LINKED LETHAL INFANTILE; AMC, DISTAL, X-LINKED; Spinal muscular atrophy, X-linked 2; Spinal Muscular Atrophy, X-Linked Infantile. Identifiers: Orphanet 1145, MedGen C1844934, MONDO:0010532, OMIM 301830.

Submission:

Labcorp Genetics (formerly Invitae), Labcorp
Classification: Uncertain significance for Infantile-onset X-linked spinal muscular atrophy. Last evaluated: 2024-04-22. Review status: criteria provided, single submitter. Criteria: Invitae Variant Classification Sherloc (09022015). Collection method: clinical testing. Allele origin: germline.
Comment: This sequence change replaces isoleucine, which is neutral and non-polar, with phenylalanine, which is neutral and non-polar, at codon 401 of the UBA1 protein (p.Ile401Phe). This variant is not present in population databases (gnomAD no frequency). This variant has not been reported in the literature in individuals affected with UBA1-related conditions. An algorithm developed to predict the effect of missense changes on protein structure and function (PolyPhen-2) suggests that this variant is likely to be tolerated. In summary, the available evidence is currently insufficient to determine the role of this variant in disease. Therefore, it has been classified as a Variant of Uncertain Significance.

NM_003334.4(UBA1):c.1201A>T (p.Ile401Phe)

Gene: UBA1 (ubiquitin like modifier activating enzyme 1; plus strand). Cytogenetic location: Xp11.3.
Variant type: single nucleotide variant.
Coding change: c.1201A>T on transcript NM_003334.4 (MANE Select); coding-DNA position 1201, A replaced by T.
Protein change: p.Ile401Phe; replaces isoleucine 401 with phenylalanine.
Molecular consequence: missense variant.
Genome position (GRCh38, 1-based): chrX:47,202,782, A>T. VCF-style: chrX-47202782-A-T. GRCh37 (hg19) VCF-style: chrX-47062181-A-T.
Other names: c.1201A>T, p.Ile401Phe (NM_153280.3); short protein forms I401F.
Identifiers: ClinVar variation 3676657 (VCV003676657.2).
Genomic context (GRCh38, chrX:47,202,782, plus strand): 5'-GACCTCATCCGGAAGCTGGCATATGTGGCTGCTGGGGATCTGGCACCCATAAACGCCTTC[A>T]TTGGGGGCCTGGCTGCCCAGGAAGTCATGAAGGTCAGCACGGGTGGGGAGAGGCAGGATT-3'
Protein context (NP_003325.2, residues 391-411): AGDLAPINAF[Ile401Phe]GGLAAQEVMK